The following is an entry in ClinVar:

NM_001260.3(CDK8):c.467A>G (p.Asn156Ser)

Gene: CDK8 (cyclin dependent kinase 8; plus strand). Cytogenetic location: 13q12.13.
Variant type: single nucleotide variant.
Coding change: c.467A>G on transcript NM_001260.3 (MANE Select); coding-DNA position 467, A replaced by G.
Protein change: p.Asn156Ser; replaces asparagine 156 with serine.
Molecular consequence: missense variant. On other transcripts: intron variant (1).
Genome position (GRCh38, 1-based): chr13:26,382,824, A>G. VCF-style: chr13-26382824-A-G. GRCh37 (hg19) VCF-style: chr13-26956961-A-G.
Other names: c.467A>G, p.Asn156Ser (NM_001318368.2); c.-5-2387A>G (NM_001346501.2); short protein forms N156S.
Identifiers: ClinVar variation 3767612 (VCV003767612.1).

ClinVar aggregate classification (germline): Pathogenic (1 of 4 stars; one submission).

Submission:

GeneDx
Classification: Pathogenic. Last evaluated: 2024-09-09. Review status: criteria provided, single submitter. Criteria: GeneDx Variant Classification Process June 2021. Collection method: clinical testing. Allele origin: germline. Affected: yes.
Comment: Published functional studies demonstrate a damaging effect significantly reduced CDK8 activity as compared to wild type (PMID: 33067521); Not observed at significant frequency in large population cohorts (gnomAD); In silico analysis supports that this missense variant has a deleterious effect on protein structure/function; This variant is associated with the following publications: (PMID: 33067521)